The following is an entry in ClinVar:

NM_002878.4(RAD51D):c.757C>G (p.Arg253Gly)

Genes: RAD51D (RAD51 paralog D; minus strand), RAD51L3-RFFL (RAD51L3-RFFL readthrough; minus strand). Cytogenetic location: 17q12.
Variant type: single nucleotide variant.
Coding change: c.757C>G on transcript NM_002878.4 (MANE Select); coding-DNA position 757, C replaced by G.
Protein change: p.Arg253Gly; replaces arginine 253 with glycine.
Molecular consequence: missense variant. On other transcripts: non-coding transcript variant (3).
Genome position (GRCh38, 1-based): chr17:35,101,347, G>C on the plus strand (C>G on the coding strand, the complement: RAD51D is on the minus strand). VCF-style: chr17-35101347-G-C. GRCh37 (hg19) VCF-style: chr17-33428366-G-C.
Other names: c.817C>G, p.Arg273Gly (NM_001142571.2); c.421C>G, p.Arg141Gly (NM_133629.3); short protein forms R253G, R141G, R273G.
Identifiers: ClinVar variation 484783 (VCV000484783.13), dbSNP rs137886232, ClinGen allele CA8499351.
Genomic context (GRCh38, chr17:35,101,347, plus strand): 5'-TGGGCACAAAGCTCCAGGAGCGTCCGAGGGCAGGTTTGAGCCTCCCGCTGTCCCTGTCTC[G>C]AGTTATGTGGTTGGTCACCTGCAGCAGAAACAGACTTACAGATCCATAATGCTAGTATAG-3'
Protein context (NP_002869.3, residues 243-263): MAVVVTNHIT[Arg253Gly]DRDSGRLKPA

ClinVar aggregate classification (germline): Uncertain significance. Review status: criteria provided, multiple submitters, no conflicts (2 of 4 stars). 2 submissions from 2 submitters: Uncertain significance (2). Last evaluated 2026-02-03.

Conditions:
Hereditary cancer-predisposing syndrome. Also called: Neoplastic Syndromes, Hereditary; Tumor predisposition; Hereditary Cancer Syndrome; Hereditary neoplastic syndrome. Identifiers: Orphanet 140162, MedGen C0027672, MeSH D009386, MONDO:0015356.
Breast-ovarian cancer, familial, susceptibility to, 4. Identifiers: Orphanet 145, MedGen C3280345, MONDO:0013669, OMIM 614291.

Allele frequency attached by ClinVar (database versions not stated): ESP Exome Variant Server 0.00008.

Submissions (2):

Labcorp Genetics (formerly Invitae), Labcorp
Classification: Uncertain significance for Breast-ovarian cancer, familial, susceptibility to, 4. Last evaluated: 2026-02-03. Review status: criteria provided, single submitter. Criteria: Invitae Variant Classification Sherloc (09022015). Collection method: clinical testing. Allele origin: germline.
Comment: This sequence change replaces arginine, which is basic and polar, with glycine, which is neutral and non-polar, at codon 253 of the RAD51D protein (p.Arg253Gly). This variant is present in population databases (rs137886232, gnomAD 0.007%). This variant has not been reported in the literature in individuals affected with RAD51D-related conditions. ClinVar contains an entry for this variant (Variation ID: 484783). Invitae Evidence Modeling of protein sequence and biophysical properties (such as structural, functional, and spatial information, amino acid conservation, physicochemical variation, residue mobility, and thermodynamic stability) indicates that this missense variant is not expected to disrupt RAD51D protein function with a negative predictive value of 80%. In summary, the available evidence is currently insufficient to determine the role of this variant in disease. Therefore, it has been classified as a Variant of Uncertain Significance.

Ambry Genetics
Classification: Uncertain significance for Hereditary cancer-predisposing syndrome. Last evaluated: 2025-03-27. Review status: criteria provided, single submitter. Criteria: Ambry Variant Classification Scheme 2023. Collection method: clinical testing. Allele origin: germline.
Comment: The p.R253G variant (also known as c.757C>G), located in coding exon 9 of the RAD51D gene, results from a C to G substitution at nucleotide position 757. The arginine at codon 253 is replaced by glycine, an amino acid with dissimilar properties. This amino acid position is well conserved in available vertebrate species. In addition, the in silico prediction for this alteration is inconclusive. Since supporting evidence is limited at this time, the clinical significance of this alteration remains unclear.